The following is an entry in ClinVar:

NM_004525.3(LRP2):c.12119G>A (p.Ser4040Asn)

Gene: LRP2 (LDL receptor related protein 2; minus strand). Cytogenetic location: 2q31.1.
Variant type: single nucleotide variant.
Coding change: c.12119G>A on transcript NM_004525.3 (MANE Select); coding-DNA position 12119, G replaced by A.
Protein change: p.Ser4040Asn; replaces serine 4040 with asparagine.
Molecular consequence: missense variant.
Genome position (GRCh38, 1-based): chr2:169,156,306, C>T on the plus strand (G>A on the coding strand, the complement: LRP2 is on the minus strand). VCF-style: chr2-169156306-C-T. GRCh37 (hg19) VCF-style: chr2-170012816-C-T.
Other names: short protein forms S4040N.
Identifiers: ClinVar variation 3713198 (VCV003713198.2).

ClinVar aggregate classification (germline): Uncertain significance (1 of 4 stars; one submission).

gnomAD v4.1: 45 of 1,613,658 alleles (0.0028%); highest among the groups gnomAD compares: Non-Finnish European, 0.0027%; no homozygotes.

Submission:

Labcorp Genetics (formerly Invitae), Labcorp
Classification: Uncertain significance. Last evaluated: 2024-12-15. Review status: criteria provided, single submitter. Criteria: Invitae Variant Classification Sherloc (09022015). Collection method: clinical testing. Allele origin: germline.
Comment: This sequence change replaces serine, which is neutral and polar, with asparagine, which is neutral and polar, at codon 4040 of the LRP2 protein (p.Ser4040Asn). This variant is present in population databases (rs201753832, gnomAD 0.03%). This variant has not been reported in the literature in individuals affected with LRP2-related conditions. Invitae Evidence Modeling of protein sequence and biophysical properties (such as structural, functional, and spatial information, amino acid conservation, physicochemical variation, residue mobility, and thermodynamic stability) indicates that this missense variant is not expected to disrupt LRP2 protein function with a negative predictive value of 95%. In summary, the available evidence is currently insufficient to determine the role of this variant in disease. Therefore, it has been classified as a Variant of Uncertain Significance.